The following is an entry in ClinVar:

ClinVar aggregate classification (germline): Uncertain significance (1 of 4 stars; one submission).

Conditions:
Hepatic methionine adenosyltransferase deficiency. Also called: Deficiency of methionine adenosyltransferase; Isolated Persistent Hypermethioninemia; Methionine adenosyltransferase deficiency; MAT I/III DEFICIENCY. Identifiers: Orphanet 168598, MedGen C0268621, MeSH C564683, MONDO:0009607, OMIM 250850.

Submission:

Labcorp Genetics (formerly Invitae), Labcorp
Classification: Uncertain significance for Hepatic methionine adenosyltransferase deficiency. Last evaluated: 2025-11-15. Review status: criteria provided, single submitter. Criteria: Invitae Variant Classification Sherloc (09022015). Collection method: clinical testing. Allele origin: germline.
Comment: This sequence change replaces valine, which is neutral and non-polar, with aspartic acid, which is acidic and polar, at codon 195 of the MAT1A protein (p.Val195Asp). This variant is not present in population databases (gnomAD no frequency). This variant has not been reported in the literature in individuals affected with MAT1A-related conditions. An algorithm developed to predict the effect of missense changes on protein structure and function (PolyPhen-2) suggests that this variant is likely to be disruptive. In summary, the available evidence is currently insufficient to determine the role of this variant in disease. Therefore, it has been classified as a Variant of Uncertain Significance.

NM_000429.3(MAT1A):c.584T>A (p.Val195Asp)

Gene: MAT1A (methionine adenosyltransferase 1A; minus strand). Cytogenetic location: 10q22.3.
Variant type: single nucleotide variant.
Coding change: c.584T>A on transcript NM_000429.3 (MANE Select); coding-DNA position 584, T replaced by A.
Protein change: p.Val195Asp; replaces valine 195 with aspartic acid.
Molecular consequence: missense variant.
Genome position (GRCh38, 1-based): chr10:80,276,560, A>T on the plus strand (T>A on the coding strand, the complement: MAT1A is on the minus strand). VCF-style: chr10-80276560-A-T. GRCh37 (hg19) VCF-style: chr10-82036316-A-T.
Other names: short protein forms V195D.
Identifiers: ClinVar variation 4773637 (VCV004773637.1).
Genomic context (GRCh38, chr10:80,276,560, plus strand): 5'-AGCGTGATGTCTTCGTTGTGCTGCACAGAGATGACGATGGTGTGGATGCGCACAGGGATG[A>T]CTGCGCCATTGTCCTGCATGTACTGAACTGTCACCTGTCCATCAGAAGGGTGGGGGAGAT-3'
Protein context (NP_000420.1, residues 185-205): TVQYMQDNGA[Val195Asp]IPVRIHTIVI